The following is an entry in ClinVar:

NM_000089.4(COL1A2):c.718G>A (p.Val240Met)

Gene: COL1A2 (collagen type I alpha 2 chain; plus strand). Cytogenetic location: 7q21.3.
Variant type: single nucleotide variant.
Coding change: c.718G>A on transcript NM_000089.4 (MANE Select); coding-DNA position 718, G replaced by A.
Protein change: p.Val240Met; replaces valine 240 with methionine.
Molecular consequence: missense variant.
Genome position (GRCh38, 1-based): chr7:94,408,360, G>A. VCF-style: chr7-94408360-G-A. GRCh37 (hg19) VCF-style: chr7-94037672-G-A.
Other names: short protein forms V240M.
Identifiers: ClinVar variation 2168702 (VCV002168702.6), dbSNP rs775599249, ClinGen allele CA368220381.

ClinVar aggregate classification (germline): Uncertain significance. Review status: criteria provided, multiple submitters, no conflicts (2 of 4 stars). 3 submissions from 3 submitters: Uncertain significance (3). Last evaluated 2023-12-29.

Conditions:
Ehlers-Danlos syndrome, classic type, 1 (EDSCL1). Also called: Ehlers-Danlos syndrome, type 1; Ehlers-Danlos Syndrome, Classic Type, COL5A1-Related; EDS I; EHLERS-DANLOS SYNDROME, GRAVIS TYPE; EHLERS-DANLOS SYNDROME, SEVERE CLASSIC TYPE. Identifiers: MedGen C0268335, MONDO:0019567, OMIM 130000.
Osteogenesis imperfecta type I (OI1). Also called: Lobstein disease; Classic Non-deforming Osteogenesis Imperfecta with Blue Sclerae; Osteogenesis imperfecta type 1; Lobstein's Disease; OI, TYPE I; OSTEOGENESIS IMPERFECTA TARDA. Identifiers: Orphanet 216796, Orphanet 666, MedGen C0023931, MONDO:0008146, OMIM 166200. Disease mechanism: loss of function.

gnomAD v4.1: 5 of 1,614,154 alleles (0.00031%); highest among the groups gnomAD compares: East Asian, 0.0022%; no homozygotes.

Submissions (3):

Blueprint Genetics
Classification: Uncertain significance. Last evaluated: 2023-12-29. Review status: criteria provided, single submitter. Criteria: ACMG Guidelines, 2015. Collection method: clinical testing. Allele origin: germline.

GeneDx
Classification: Uncertain significance. Last evaluated: 2022-12-13. Review status: criteria provided, single submitter. Criteria: GeneDx Variant Classification Process June 2021. Collection method: clinical testing. Allele origin: germline. Affected: yes.
Comment: Has not been previously published as pathogenic or benign to our knowledge; Not observed at significant frequency in large population cohorts (gnomAD); Occurs in the triple helical domain at the Y position in the canonical Gly-X-Y repeat; although this variant may have an effect on normal protein folding and function, missense substitution at the Y position is not a common mechanism of disease (HGMD); In silico analysis supports that this missense variant does not alter protein structure/function

Labcorp Genetics (formerly Invitae), Labcorp
Classification: Uncertain significance for Osteogenesis imperfecta type I; Ehlers-Danlos syndrome, classic type, 1. Last evaluated: 2021-12-19. Review status: criteria provided, single submitter. Criteria: Invitae Variant Classification Sherloc (09022015). Collection method: clinical testing. Allele origin: germline.
Comment: In summary, the available evidence is currently insufficient to determine the role of this variant in disease. Therefore, it has been classified as a Variant of Uncertain Significance. Advanced modeling of protein sequence and biophysical properties (such as structural, functional, and spatial information, amino acid conservation, physicochemical variation, residue mobility, and thermodynamic stability) performed at Invitae indicates that this missense variant is not expected to disrupt COL1A2 protein function. This variant has not been reported in the literature in individuals affected with COL1A2-related conditions. This variant is present in population databases (no rsID available, gnomAD 0.01%). This sequence change replaces valine, which is neutral and non-polar, with methionine, which is neutral and non-polar, at codon 240 of the COL1A2 protein (p.Val240Met).